The following is an entry in ClinVar:

ClinVar aggregate classification (germline): Uncertain significance (1 of 4 stars; one submission).

Conditions:
Severe combined immunodeficiency due to DNA-PKcs deficiency. Also called: IMMUNODEFICIENCY 26 WITH NEUROLOGIC ABNORMALITIES; Immunodeficiency 26 with or without neurologic abnormalities. Identifiers: Orphanet 317425, MedGen C4014833, MONDO:0014423, OMIM 615966.

Allele frequency attached by ClinVar (database versions not stated): ExAC 0.00001; gnomAD exomes 0.00002; gnomAD 0.00003; TOPMed 0.00004.
gnomAD v4.1: 61 of 1,610,246 alleles (0.0038%); highest among the groups gnomAD compares: Non-Finnish European, 0.0046%; no homozygotes.

Submission:

Labcorp Genetics (formerly Invitae), Labcorp
Classification: Uncertain significance for Severe combined immunodeficiency due to DNA-PKcs deficiency. Last evaluated: 2022-04-01. Review status: criteria provided, single submitter. Criteria: Invitae Variant Classification Sherloc (09022015). Collection method: clinical testing. Allele origin: germline.
Comment: This variant is present in population databases (rs749630133, gnomAD 0.01%). This sequence change replaces valine, which is neutral and non-polar, with leucine, which is neutral and non-polar, at codon 1845 of the PRKDC protein (p.Val1845Leu). This variant has not been reported in the literature in individuals affected with PRKDC-related conditions. In summary, the available evidence is currently insufficient to determine the role of this variant in disease. Therefore, it has been classified as a Variant of Uncertain Significance. Experimental studies and prediction algorithms are not available or were not evaluated, and the functional significance of this variant is currently unknown.

NM_006904.7(PRKDC):c.5533G>T (p.Val1845Leu)

Gene: PRKDC (protein kinase, DNA-activated, catalytic subunit; minus strand). Cytogenetic location: 8q11.21.
Variant type: single nucleotide variant.
Coding change: c.5533G>T on transcript NM_006904.7 (MANE Select); coding-DNA position 5533, G replaced by T.
Protein change: p.Val1845Leu; replaces valine 1845 with leucine.
Molecular consequence: missense variant.
Genome position (GRCh38, 1-based): chr8:47,864,594, C>A on the plus strand (G>T on the coding strand, the complement: PRKDC is on the minus strand). VCF-style: chr8-47864594-C-A. GRCh37 (hg19) VCF-style: chr8-48777155-C-A.
Other names: c.5533G>T, p.Val1845Leu (NM_001081640.2); short protein forms V1845L.
Identifiers: ClinVar variation 1434056 (VCV001434056.4), dbSNP rs749630133, ClinGen allele CA4740620.
Genomic context (GRCh38, chr8:47,864,594, plus strand): 5'-ACTGATTTAAGGCGTATGATACCTTTGTAAACCTGGACTTCAACACATCAATGGCATCCA[C>A]CACAATTGTGCTGAAGAATTCTCTCAAAGCATCCAGGCTACAGTGCCACAGCAGAGTGAG-3'
Protein context (NP_008835.5, residues 1835-1855): ALREFFSTIV[Val1845Leu]DAIDVLKSRF